The following is an entry in ClinVar:

NM_005215.4(DCC):c.4079A>C (p.Lys1360Thr)

Gene: DCC (DCC netrin 1 receptor; plus strand). Cytogenetic location: 18q21.2.
Variant type: single nucleotide variant.
Coding change: c.4079A>C on transcript NM_005215.4 (MANE Select); coding-DNA position 4079, A replaced by C.
Protein change: p.Lys1360Thr; replaces lysine 1360 with threonine.
Molecular consequence: missense variant.
Genome position (GRCh38, 1-based): chr18:53,499,478, A>C. VCF-style: chr18-53499478-A-C. GRCh37 (hg19) VCF-style: chr18-51025848-A-C.
Other names: short protein forms K1360T.
Identifiers: ClinVar variation 2136233 (VCV002136233.1), dbSNP rs2511471767, ClinGen allele CA402516869.

ClinVar aggregate classification (germline): Uncertain significance (1 of 4 stars; one submission).

Submission:

GeneDx
Classification: Uncertain significance. Last evaluated: 2022-07-20. Review status: criteria provided, single submitter. Criteria: GeneDx Variant Classification Process June 2021. Collection method: clinical testing. Allele origin: germline. Affected: yes.
Comment: Not observed at significant frequency in large population cohorts (gnomAD); In silico analysis supports that this missense variant does not alter protein structure/function; Has not been previously published as pathogenic or benign to our knowledge